The following is an entry in ClinVar:

NM_003242.6(TGFBR2):c.297A>G (p.Thr99=)

Gene: TGFBR2 (transforming growth factor beta receptor 2; plus strand). Cytogenetic location: 3p24.1.
Variant type: single nucleotide variant.
Coding change: c.297A>G on transcript NM_003242.6 (MANE Select); coding-DNA position 297, A replaced by G.
Protein change: p.Thr99=; no amino-acid change (threonine 99 retained).
Molecular consequence: synonymous variant. On other transcripts: intron variant (2).
Genome position (GRCh38, 1-based): chr3:30,650,303, A>G. VCF-style: chr3-30650303-A-G. GRCh37 (hg19) VCF-style: chr3-30691795-A-G.
Other names: c.372A>G, p.Thr124= (NM_001024847.3, NM_001407126.1, NM_001407139.1); c.297A>G, p.Thr99= (NM_001407127.1, NM_001407130.1); c.324A>G, p.Thr108= (NM_001407128.1); c.192A>G, p.Thr64= (NM_001407129.1, NM_001407132.1, NM_001407133.1 and 3 more transcripts); c.170-21335A>G (NM_001407137.1); c.95-21335A>G (NM_001407138.1).
Identifiers: ClinVar variation 177827 (VCV000177827.15), dbSNP rs727504343, ClinGen allele CA020762.
Genomic context (GRCh38, chr3:30,650,303, plus strand): 5'-CGCTTCCAATGAATCTCTTCACTCTAGGAGAAAGAATGACGAGAACATAACACTAGAGAC[A>G]GTTTGCCATGACCCCAAGCTCCCCTACCATGACTTTATTCTGGAAGATGCTGCTTCTCCA-3'
Protein context (NP_003233.4, residues 89-109): RKNDENITLE[Thr99=]VCHDPKLPYH

ClinVar aggregate classification (germline): Likely benign. Review status: criteria provided, multiple submitters, no conflicts (2 of 4 stars). 4 submissions from 4 submitters: Likely benign (4). Last evaluated 2026-02-01.

Conditions:
Diabetic retinopathy. Identifiers: MedGen C0011884, MONDO:0005266.
Familial thoracic aortic aneurysm and aortic dissection (TAAD). Also called: Thoracic aortic aneurysms and dissections. Identifiers: Orphanet 91387, MedGen C4707243, MONDO:0019625.

Allele frequency attached by ClinVar (database versions not stated): TOPMed below 0.00001.
gnomAD v4.1: 3 of 1,614,002 alleles (0.00019%); highest among the groups gnomAD compares: Non-Finnish European, 0.00025%; no homozygotes.

Submissions (4):

Labcorp Genetics (formerly Invitae), Labcorp
Classification: Likely benign for Familial thoracic aortic aneurysm and aortic dissection. Last evaluated: 2026-02-01. Review status: criteria provided, single submitter. Criteria: Invitae Variant Classification Sherloc (09022015). Collection method: clinical testing. Allele origin: germline.

Ambry Genetics
Classification: Likely benign for Familial thoracic aortic aneurysm and aortic dissection. Last evaluated: 2022-08-22. Review status: criteria provided, single submitter. Criteria: Ambry Variant Classification Scheme 2023. Collection method: clinical testing. Allele origin: germline.

Laboratory for Molecular Medicine, Mass General Brigham Personalized Medicine
Classification: Likely benign. Last evaluated: 2013-08-22. Review status: criteria provided, single submitter. Criteria: LMM Criteria. Collection method: clinical testing. Allele origin: germline. Observed: 1 variant allele.
Comment: Thr99Thr in exon 03 TGFBR2: This variant is not expected to have clinical signif icance because it does not alter an amino acid residue and it is not located wit hin the splice consensus sequence.

Clinical Genomics, Uppaluri K&H Personalized Medicine Clinic
Classification: Likely benign for Diabetic retinopathy. Review status: criteria provided, single submitter. Criteria: K And H Uppaluri Personalized Medicine Clinic Variant Classification And Assertion Criteria Updated V 2. Collection method: research. Allele origin: unknown.
Comment: Potent mutations in TGFBR2 gene encodes the transforming growth factor that have been associated with angiogenesis and diabetic retinopathy. More clinical studies are needed for stronger association. However, more evidence is required to confer the association of this particular variant rs727504343 with diabetic retinopathy.

Literature cited by the submitters: PubMed 30222965 (cited by Clinical Genomics, Uppaluri K&H Personalized Medicine Clinic); PubMed 28162229 (cited by Clinical Genomics, Uppaluri K&H Personalized Medicine Clinic); PubMed 34572573 (cited by Clinical Genomics, Uppaluri K&H Personalized Medicine Clinic).